The following is an entry in ClinVar:

ClinVar aggregate classification (germline): Uncertain significance. Review status: criteria provided, multiple submitters, no conflicts (2 of 4 stars). 2 submissions from 2 submitters: Uncertain significance (2). Last evaluated 2024-02-08.

Conditions:
Frontotemporal dementia and/or amyotrophic lateral sclerosis 6 (FTDALS6). Also called: VCP-Related Amyotrophic Lateral Sclerosis; VCP-Related Amyotrophic Lateral Sclerosis/Frontotemporal Dementia. Identifiers: Orphanet 275872, Orphanet 803, MedGen C5436279, MONDO:0013501, OMIM 613954.
Inclusion body myopathy with Paget disease of bone and frontotemporal dementia. Also called: Inclusion body myopathy with early-onset Paget disease and frontotemporal dementia. Identifiers: Orphanet 52430, MedGen C1833662, MONDO:0000507.

Allele frequency attached by ClinVar (database versions not stated): gnomAD exomes below 0.00001.
gnomAD v4.1: 6 of 1,486,596 alleles (0.0004%); highest among the groups gnomAD compares: South Asian, 0.0025%; no homozygotes.

Submissions (2):

Revvity Omics, Revvity
Classification: Uncertain significance. Last evaluated: 2024-02-08. Review status: criteria provided, single submitter. Criteria: ACMG Guidelines, 2015. Collection method: clinical testing. Allele origin: germline.

Labcorp Genetics (formerly Invitae), Labcorp
Classification: Uncertain significance for Inclusion body myopathy with Paget disease of bone and frontotemporal dementia; Frontotemporal dementia and/or amyotrophic lateral sclerosis 6. Last evaluated: 2024-01-02. Review status: criteria provided, single submitter. Criteria: Invitae Variant Classification Sherloc (09022015). Collection method: clinical testing. Allele origin: germline.
Comment: This sequence change replaces glycine, which is neutral and non-polar, with glutamic acid, which is acidic and polar, at codon 4 of the VCP protein (p.Gly4Glu). This variant is present in population databases (no rsID available, gnomAD 0.009%). This missense change has been observed in individual(s) with clinical features of VCP-related conditions (Invitae). ClinVar contains an entry for this variant (Variation ID: 2438521). Advanced modeling of protein sequence and biophysical properties (such as structural, functional, and spatial information, amino acid conservation, physicochemical variation, residue mobility, and thermodynamic stability) performed at Invitae indicates that this missense variant is not expected to disrupt VCP protein function with a negative predictive value of 95%. In summary, the available evidence is currently insufficient to determine the role of this variant in disease. Therefore, it has been classified as a Variant of Uncertain Significance.

NM_007126.5(VCP):c.11G>A (p.Gly4Glu)

Gene: VCP (valosin containing protein; minus strand). Cytogenetic location: 9p13.3.
Variant type: single nucleotide variant.
Coding change: c.11G>A on transcript NM_007126.5 (MANE Select); coding-DNA position 11, G replaced by A.
Protein change: p.Gly4Glu; replaces glycine 4 with glutamic acid.
Molecular consequence: missense variant. On other transcripts: 5 prime UTR variant (2).
Genome position (GRCh38, 1-based): chr9:35,072,343, C>T on the plus strand (G>A on the coding strand, the complement: VCP is on the minus strand). VCF-style: chr9-35072343-C-T. GRCh37 (hg19) VCF-style: chr9-35072340-C-T.
Other names: c.-185G>A (NM_001354927.2); c.-705G>A (NM_001354928.2); short protein forms G4E.
Identifiers: ClinVar variation 2438521 (VCV002438521.6), dbSNP rs767081097, ClinGen allele CA373297821.